The following is an entry in ClinVar:

ClinVar aggregate classification (germline): Uncertain significance. Review status: criteria provided, multiple submitters, no conflicts (2 of 4 stars). 2 submissions from 2 submitters: Uncertain significance (2). Last evaluated 2025-11-05.

Conditions:
Inborn genetic diseases. Identifiers: MedGen C0950123, MeSH D030342.
Fanconi anemia (FA). Also called: Fanconi's anemia. Identifiers: Orphanet 84, MedGen C0015625, MeSH D005199, MONDO:0019391.

Allele frequency attached by ClinVar (database versions not stated): gnomAD exomes below 0.00001; ExAC 0.00001; ESP Exome Variant Server 0.00008.

Submissions (2):

Ambry Genetics
Classification: Uncertain significance for Inborn genetic diseases. Last evaluated: 2025-11-05. Review status: criteria provided, single submitter. Criteria: Ambry Variant Classification Scheme 2023. Collection method: clinical testing. Allele origin: germline.
Comment: The p.Q1108R variant (also known as c.3323A>G), located in coding exon 14 of the FANCM gene, results from an A to G substitution at nucleotide position 3323. The glutamine at codon 1108 is replaced by arginine, an amino acid with highly similar properties. This amino acid position is conserved. In addition, this alteration is predicted to be tolerated by in silico analysis. Based on the available evidence, the clinical significance of this variant remains unclear.

Labcorp Genetics (formerly Invitae), Labcorp
Classification: Uncertain significance for Fanconi anemia. Last evaluated: 2025-05-15. Review status: criteria provided, single submitter. Criteria: Invitae Variant Classification Sherloc (09022015). Collection method: clinical testing. Allele origin: germline.
Comment: This sequence change replaces glutamine, which is neutral and polar, with arginine, which is basic and polar, at codon 1108 of the FANCM protein (p.Gln1108Arg). This variant is present in population databases (rs376223629, gnomAD 0.0009%). This variant has not been reported in the literature in individuals affected with FANCM-related conditions. ClinVar contains an entry for this variant (Variation ID: 1477368). An algorithm developed to predict the effect of missense changes on protein structure and function outputs the following: PolyPhen-2: "Benign". The arginine amino acid residue is found in multiple mammalian species, which suggests that this missense change does not adversely affect protein function. In summary, the available evidence is currently insufficient to determine the role of this variant in disease. Therefore, it has been classified as a Variant of Uncertain Significance.

NM_020937.4(FANCM):c.3323A>G (p.Gln1108Arg)

Gene: FANCM (FA complementation group M; plus strand). Cytogenetic location: 14q21.2.
Variant type: single nucleotide variant.
Coding change: c.3323A>G on transcript NM_020937.4 (MANE Select); coding-DNA position 3323, A replaced by G.
Protein change: p.Gln1108Arg; replaces glutamine 1108 with arginine.
Molecular consequence: missense variant.
Genome position (GRCh38, 1-based): chr14:45,176,077, A>G. VCF-style: chr14-45176077-A-G. GRCh37 (hg19) VCF-style: chr14-45645280-A-G.
Other names: c.3323A>G (NM_020937.2); c.3245A>G, p.Gln1082Arg (NM_001308133.2); short protein forms Q1082R, Q1108R.
Identifiers: ClinVar variation 1477368 (VCV001477368.9), dbSNP rs376223629, ClinGen allele CA7169495.